The following is an entry in ClinVar:

ClinVar aggregate classification (germline): Uncertain significance. Review status: criteria provided, multiple submitters, no conflicts (2 of 4 stars). 4 submissions from 4 submitters: Uncertain significance (4). Last evaluated 2025-09-28.

Conditions:
Donnai-Barrow syndrome. Also called: FACIOOCULOACOUSTICORENAL SYNDROME; DBS/FOAR SYNDROME. Identifiers: Orphanet 2143, MedGen C1857277, MONDO:0009104, OMIM 222448.
Inborn genetic diseases. Identifiers: MedGen C0950123, MeSH D030342.

Allele frequency attached by ClinVar (database versions not stated): gnomAD exomes below 0.00001; TOPMed 0.00001.
gnomAD v4.1: 2 of 1,614,148 alleles (0.00012%); highest among the groups gnomAD compares: East Asian, 0.0022%; no homozygotes.

Submissions (4):

Ambry Genetics
Classification: Uncertain significance for Inborn genetic diseases. Last evaluated: 2025-09-28. Review status: criteria provided, single submitter. Criteria: Ambry Variant Classification Scheme 2023. Collection method: clinical testing. Allele origin: germline.

GeneDx
Classification: Uncertain significance. Last evaluated: 2025-04-12. Review status: criteria provided, single submitter. Criteria: GeneDx Variant Classification Process June 2021. Collection method: clinical testing. Allele origin: germline. Affected: yes.
Comment: Not observed at significant frequency in large population cohorts (gnomAD); In silico analysis indicates that this missense variant does not alter protein structure/function; Has not been previously published as pathogenic or benign to our knowledge

Fulgent Genetics
Classification: Uncertain significance for Donnai-Barrow syndrome. Last evaluated: 2024-03-08. Review status: criteria provided, single submitter. Criteria: ACMG Guidelines, 2015. Collection method: clinical testing. Allele origin: germline.

Labcorp Genetics (formerly Invitae), Labcorp
Classification: Uncertain significance. Last evaluated: 2022-08-17. Review status: criteria provided, single submitter. Criteria: Invitae Variant Classification Sherloc (09022015). Collection method: clinical testing. Allele origin: germline.
Comment: This sequence change replaces methionine, which is neutral and non-polar, with valine, which is neutral and non-polar, at codon 3090 of the LRP2 protein (p.Met3090Val). This variant is not present in population databases (gnomAD no frequency). This variant has not been reported in the literature in individuals affected with LRP2-related conditions. Advanced modeling of protein sequence and biophysical properties (such as structural, functional, and spatial information, amino acid conservation, physicochemical variation, residue mobility, and thermodynamic stability) performed at Invitae indicates that this missense variant is not expected to disrupt LRP2 protein function. In summary, the available evidence is currently insufficient to determine the role of this variant in disease. Therefore, it has been classified as a Variant of Uncertain Significance.

NM_004525.3(LRP2):c.9268A>G (p.Met3090Val)

Gene: LRP2 (LDL receptor related protein 2; minus strand). Cytogenetic location: 2q31.1.
Variant type: single nucleotide variant.
Coding change: c.9268A>G on transcript NM_004525.3 (MANE Select); coding-DNA position 9268, A replaced by G.
Protein change: p.Met3090Val; replaces methionine 3090 with valine.
Molecular consequence: missense variant.
Genome position (GRCh38, 1-based): chr2:169,188,030, T>C on the plus strand (A>G on the coding strand, the complement: LRP2 is on the minus strand). VCF-style: chr2-169188030-T-C. GRCh37 (hg19) VCF-style: chr2-170044540-T-C.
Other names: c.9268A>G (NM_004525.2); short protein forms M3090V.
Identifiers: ClinVar variation 2010992 (VCV002010992.4), dbSNP rs1398098863, ClinGen allele CA349156176.
Genomic context (GRCh38, chr2:169,188,030, plus strand): 5'-CACAGCCTTTCTCATCGCTGTTGTCCAAACAGTCATCTAGGTGGTTGCAGAGTTTCATCA[T>C]CTCGATGCAGCGCCCATTGTCACACTTGAACTCGTGAGGTGGACACGTGGGTTCTGGGGT-3'
Protein context (NP_004516.2, residues 3080-3100): FKCDNGRCIE[Met3090Val]MKLCNHLDDC